The following is an entry in ClinVar:

ClinVar aggregate classification (germline): Uncertain significance (1 of 4 stars; one submission).

Submission:

Mayo Clinic Laboratories, Mayo Clinic
Classification: Uncertain significance. Last evaluated: 2025-12-04. Review status: criteria provided, single submitter. Criteria: ACMG Guidelines, 2015. Collection method: clinical testing. Allele origin: germline. Observed: 1 variant allele.
Comment: PM2_supporting

NM_000132.4(F8):c.671-40_671-30del

Gene: F8 (coagulation factor VIII; minus strand). Cytogenetic location: Xq28.
Variant type: Deletion.
Coding change: c.671-40_671-30del on transcript NM_000132.4 (MANE Select); 40 bases into the intron before coding-DNA position 671 through 30 bases into the intron before coding-DNA position 671, 11 bases deleted (CATGCTTAGCT).
Molecular consequence: intron variant.
Genome position (GRCh38, 1-based): chrX:154,984,833-154,984,843, AGCTAAGCATG deleted on the plus strand (CATGCTTAGCT on the coding strand, the reverse complement: F8 is on the minus strand). VCF-style (leftmost placement, unchanged base first): chrX-154984832-CAGCTAAGCATG-C. GRCh37 (hg19) VCF-style: chrX-154213107-CAGCTAAGCATG-C.
Other names: p.?.
Identifiers: ClinVar variation 4542525 (VCV004542525.1).